The following is an entry in ClinVar:

ClinVar aggregate classification (germline): Uncertain significance (1 of 4 stars; one submission).

Submission:

Labcorp Genetics (formerly Invitae), Labcorp
Classification: Uncertain significance. Last evaluated: 2022-06-14. Review status: criteria provided, single submitter. Criteria: Invitae Variant Classification Sherloc (09022015). Collection method: clinical testing. Allele origin: germline.
Comment: This sequence change replaces alanine, which is neutral and non-polar, with threonine, which is neutral and polar, at codon 480 of the LZTS1 protein (p.Ala480Thr). This variant is not present in population databases (gnomAD no frequency). This variant has not been reported in the literature in individuals affected with LZTS1-related conditions. Algorithms developed to predict the effect of missense changes on protein structure and function output the following: SIFT: "Deleterious"; PolyPhen-2: "Benign"; Align-GVGD: "Class C0". The threonine amino acid residue is found in multiple mammalian species, which suggests that this missense change does not adversely affect protein function. In summary, the available evidence is currently insufficient to determine the role of this variant in disease. Therefore, it has been classified as a Variant of Uncertain Significance.

NM_021020.5(LZTS1):c.1438G>A (p.Ala480Thr)

Gene: LZTS1 (leucine zipper tumor suppressor 1; minus strand). Cytogenetic location: 8p21.3.
Variant type: single nucleotide variant.
Coding change: c.1438G>A on transcript NM_021020.5 (MANE Select); coding-DNA position 1438, G replaced by A.
Protein change: p.Ala480Thr; replaces alanine 480 with threonine.
Molecular consequence: missense variant.
Genome position (GRCh38, 1-based): chr8:20,250,075, C>T on the plus strand (G>A on the coding strand, the complement: LZTS1 is on the minus strand). VCF-style: chr8-20250075-C-T. GRCh37 (hg19) VCF-style: chr8-20107586-C-T.
Other names: c.1438G>A (NM_021020.3); c.1438G>A, p.Ala480Thr (NM_001362884.2); short protein forms A480T.
Identifiers: ClinVar variation 2006468 (VCV002006468.5), dbSNP rs2486297715, ClinGen allele CA370476137.
Genomic context (GRCh38, chr8:20,250,075, plus strand): 5'-GGGCAGGGACGTCCTCGGGGAAGGTGGGCGGCCCCATGTCGCGGGCCAGGGCGGCCTGGG[C>T]CCGCAGCTCCTGCAGCTCCTGCTCCAGCAGGTTCACCTTCTCCCGCAGCAGCTCCGCCTC-3'
Protein context (NP_066300.1, residues 470-490): LLEQELQELR[Ala480Thr]QAALARDMGP